The following is an entry in ClinVar:

NM_001904.4(CTNNB1):c.564dup (p.Met189fs)

Genes: CTNNB1 (catenin beta 1; plus strand), LOC126806658 (BRD4-independent group 4 enhancer GRCh37_chr3:41265899-41267098; plus strand). Cytogenetic location: 3p22.1.
Variant type: Duplication.
Coding change: c.564dup on transcript NM_001904.4 (MANE Select); coding-DNA position 564, one base duplicated (C; older notation c.564dupC).
Protein change: p.Met189fs; shifts the reading frame from methionine 189.
Molecular consequence: frameshift variant.
Genome position (GRCh38, 1-based): chr3:41,225,402, C duplicated. VCF-style (leftmost placement, unchanged base first): chr3-41225401-T-TC. GRCh37 (hg19) VCF-style: chr3-41266892-T-TC.
Other names: c.564dup, p.Met189fs (NM_001098209.2, NM_001098210.2); c.543dup, p.Met182fs (NM_001330729.2); short protein forms M182fs, M189fs.
Identifiers: ClinVar variation 1329943 (VCV001329943.1), dbSNP rs2125622579, ClinGen allele CA2573052164.

ClinVar aggregate classification (germline): Pathogenic (1 of 4 stars; one submission).

Conditions:
Severe intellectual disability-progressive spastic diplegia syndrome (NEDSDV). Also called: NEURODEVELOPMENTAL DISORDER WITH SPASTIC DIPLEGIA AND VISUAL DEFECTS; CTNNB1 Neurodevelopmental Disorder. Identifiers: Orphanet 404473, MedGen C3554449, MONDO:0014035, OMIM 615075.

Submission:

Institute of Human Genetics, University of Leipzig Medical Center
Classification: Pathogenic for Severe intellectual disability-progressive spastic diplegia syndrome. Last evaluated: 2021-12-06. Review status: criteria provided, single submitter. Criteria: ACMG Guidelines, 2015. Collection method: clinical testing. Allele origin: de novo. Affected: yes.
Comment: This variant was identified as de novo (maternity and paternity confirmed)._x000D_ Criteria applied: PVS1, PS2_MOD, PM2_SUP